The following is an entry in ClinVar:

ClinVar aggregate classification (germline): Uncertain significance (1 of 4 stars; one submission).

Conditions:
Neuronopathy, distal hereditary motor, autosomal recessive 4. Also called: NEUROPATHY, DISTAL HEREDITARY MOTOR, AUTOSOMAL RECESSIVE 4; Autosomal recessive lower motor neuron disease with childhood onset. Identifiers: Orphanet 206580, MedGen C1970211, MONDO:0012608, OMIM 611067.
Charcot-Marie-Tooth disease recessive intermediate C. Also called: CHARCOT-MARIE-TOOTH NEUROPATHY, RECESSIVE INTERMEDIATE C. Identifiers: Orphanet 369867, MedGen C3809309, MONDO:0014154, OMIM 615376.

Allele frequency attached by ClinVar (database versions not stated): gnomAD exomes 0.00001.
gnomAD v4.1: 21 of 1,613,282 alleles (0.0013%); highest among the groups gnomAD compares: Non-Finnish European, 0.0017%; no homozygotes.

Submission:

Labcorp Genetics (formerly Invitae), Labcorp
Classification: Uncertain significance for Neuronopathy, distal hereditary motor, autosomal recessive 4; Charcot-Marie-Tooth disease recessive intermediate C. Last evaluated: 2022-06-04. Review status: criteria provided, single submitter. Criteria: Invitae Variant Classification Sherloc (09022015). Collection method: clinical testing. Allele origin: germline.
Comment: ClinVar contains an entry for this variant (Variation ID: 864331). In summary, the available evidence is currently insufficient to determine the role of this variant in disease. Therefore, it has been classified as a Variant of Uncertain Significance. Algorithms developed to predict the effect of missense changes on protein structure and function output the following: SIFT: "Tolerated"; PolyPhen-2: "Benign"; Align-GVGD: "Class C0". The valine amino acid residue is found in multiple mammalian species, which suggests that this missense change does not adversely affect protein function. This variant has not been reported in the literature in individuals affected with PLEKHG5-related conditions. This variant is not present in population databases (gnomAD no frequency). This sequence change replaces isoleucine, which is neutral and non-polar, with valine, which is neutral and non-polar, at codon 737 of the PLEKHG5 protein (p.Ile737Val).

NM_020631.6(PLEKHG5):c.2209A>G (p.Ile737Val)

Gene: PLEKHG5 (pleckstrin homology and RhoGEF domain containing G5; minus strand). Cytogenetic location: 1p36.31.
Variant type: single nucleotide variant.
Coding change: c.2209A>G on transcript NM_020631.6 (MANE Select); coding-DNA position 2209, A replaced by G.
Protein change: p.Ile737Val; replaces isoleucine 737 with valine.
Molecular consequence: missense variant.
Genome position (GRCh38, 1-based): chr1:6,469,082, T>C on the plus strand (A>G on the coding strand, the complement: PLEKHG5 is on the minus strand). VCF-style: chr1-6469082-T-C. GRCh37 (hg19) VCF-style: chr1-6529142-T-C.
Other names: c.2209A>G, p.Ile737Val (NM_198681.4, NM_001265594.3, NM_001042664.2 and 1 more transcripts); c.2320A>G, p.Ile774Val (NM_001042663.3, NM_001265592.2); c.2416A>G, p.Ile806Val (NM_001265593.2); short protein forms I806V, I737V, I774V.
Identifiers: ClinVar variation 864331 (VCV000864331.10), dbSNP rs1644484109, ClinGen allele CA338118001.
Genomic context (GRCh38, chr1:6,469,082, plus strand): 5'-GTGGTCATGAGCAGACGTACCAGTGCTGAGAGTCGGGGCTGCCGCTGCTTTTCCGCATGA[T>C]GGTAGGGGAGCTGGCAGCTGAAGTGCCACTGTCCTCGCCTTCCTCCTCCTCCTCCTCCTC-3'
Protein context (NP_065682.2, residues 727-747): SGTSAASSPT[Ile737Val]MRKSSGSPDS